The following is an entry in ClinVar:

ClinVar aggregate classification (germline): Likely benign. Review status: criteria provided, multiple submitters, no conflicts (2 of 4 stars). 13 submissions from 13 submitters: Likely benign (8). 5 of the submissions do not count toward it. Last evaluated 2026-01-27.

Conditions:
Cardiomyopathy (CMYO). Also called: Cardiomyopathies. Identifiers: Orphanet 167848, MedGen C0878544, MONDO:0004994, HP:0001638. Inheritance: Various modes of inheritance.
Dilated cardiomyopathy 1DD (CMD1DD). Identifiers: Orphanet 154, MedGen C2750995, MONDO:0013168, OMIM 613172.

Allele frequency attached by ClinVar (database versions not stated): gnomAD 0.00011; gnomAD exomes 0.00023 and 0.00012; TOPMed 0.00013; 1000 Genomes Project 30x 0.00016.

Submissions (13):

Labcorp Genetics (formerly Invitae), Labcorp
Classification: Likely benign for Dilated cardiomyopathy 1DD. Last evaluated: 2026-01-27. Review status: criteria provided, single submitter. Criteria: Invitae Variant Classification Sherloc (09022015). Collection method: clinical testing. Allele origin: germline.

Molecular Diagnostic Laboratory for Inherited Cardiovascular Disease, Montreal Heart Institute
Classification: Likely benign. Last evaluated: 2025-04-09. Review status: criteria provided, single submitter. Criteria: ACMG Guidelines, 2015. Collection method: clinical testing. Allele origin: germline. Affected: no.

Blueprint Genetics
Classification: Likely benign. Last evaluated: 2024-08-26. Review status: criteria provided, single submitter. Criteria: ACMG Guidelines, 2015. Collection method: clinical testing. Allele origin: germline.

CeGaT Center for Human Genetics Tuebingen
Classification: Likely benign. Last evaluated: 2023-03-01. Review status: criteria provided, single submitter. Criteria: CeGaT Center For Human Genetics Tuebingen Variant Classification Criteria Version 2. Collection method: clinical testing. Allele origin: germline. Affected: yes. Observed: 1 variant allele.
Comment: RBM20: BP4, BS2

Fulgent Genetics
Classification: Likely benign for Dilated cardiomyopathy 1DD. Last evaluated: 2022-04-21. Review status: criteria provided, single submitter. Criteria: ACMG Guidelines, 2015. Collection method: clinical testing. Allele origin: unknown.

CHEO Genetics Diagnostic Laboratory, Children's Hospital of Eastern Ontario
Classification: Likely benign for Cardiomyopathy. Last evaluated: 2018-02-27. Review status: criteria provided, single submitter. Criteria: ACMG Guidelines, 2015. Collection method: clinical testing. Allele origin: germline.

GeneDx
Classification: Likely benign. Last evaluated: 2017-10-31. Review status: criteria provided, single submitter. Criteria: GeneDx Variant Classification (06012015). Collection method: clinical testing. Allele origin: germline. Affected: yes.
Comment: This variant is considered likely benign or benign based on one or more of the following criteria: it is a conservative change, it occurs at a poorly conserved position in the protein, it is predicted to be benign by multiple in silico algorithms, and/or has population frequency not consistent with disease.

Laboratory for Molecular Medicine, Mass General Brigham Personalized Medicine
Classification: Likely benign. Last evaluated: 2014-10-16. Review status: criteria provided, single submitter. Criteria: LMM Criteria. Collection method: clinical testing. Allele origin: germline. Observed: 2 variant alleles.
Comment: c.1275+8G>T in intron 2 of RBM20: This variant is not expected to have clinical significance because it is not located within the splice consensus sequence.

Clinical Genetics DNA and cytogenetics Diagnostics Lab, Erasmus MC, Erasmus Medical Center
Classification: Likely benign. Review status: no assertion criteria provided. Collection method: clinical testing. Allele origin: germline. Affected: yes. Study: VKGL Data-share Consensus. Not counted in ClinVar's aggregate classification.

Clinical Genetics, Academic Medical Center
Classification: Benign. Review status: no assertion criteria provided. Collection method: clinical testing. Allele origin: germline. Affected: yes. Study: VKGL Data-share Consensus. Not counted in ClinVar's aggregate classification.

Diagnostic Laboratory, Department of Genetics, University Medical Center Groningen
Classification: Likely benign for Dilated cardiomyopathy 1DD. Review status: no assertion criteria provided. Collection method: clinical testing. Allele origin: germline. Affected: yes. Study: VKGL Data-share Consensus. Not counted in ClinVar's aggregate classification.

Genome Diagnostics Laboratory, University Medical Center Utrecht
Classification: Likely benign. Review status: no assertion criteria provided. Collection method: clinical testing. Allele origin: germline. Affected: yes. Study: VKGL Data-share Consensus. Not counted in ClinVar's aggregate classification.

Joint Genome Diagnostic Labs from Nijmegen and Maastricht, Radboudumc and MUMC+
Classification: Likely benign. Review status: no assertion criteria provided. Collection method: clinical testing. Allele origin: germline. Affected: yes. Study: VKGL Data-share Consensus. Not counted in ClinVar's aggregate classification.

NM_001134363.3(RBM20):c.1275+8G>T

Gene: RBM20 (RNA binding motif protein 20; plus strand). Cytogenetic location: 10q25.2.
Variant type: single nucleotide variant.
Coding change: c.1275+8G>T on transcript NM_001134363.3 (MANE Select); 8 bases into the intron after coding-DNA position 1275, G replaced by T.
Molecular consequence: intron variant.
Genome position (GRCh38, 1-based): chr10:110,781,892, G>T. VCF-style: chr10-110781892-G-T. GRCh37 (hg19) VCF-style: chr10-112541650-G-T.
Identifiers: ClinVar variation 180056 (VCV000180056.51), dbSNP rs727505318, ClinGen allele CA185724.